The following is an entry in ClinVar:

NM_000143.4(FH):c.1504A>T (p.Lys502Ter)

Gene: FH (fumarate hydratase; minus strand). Cytogenetic location: 1q43.
Variant type: single nucleotide variant.
Coding change: c.1504A>T on transcript NM_000143.4 (MANE Select); coding-DNA position 1504, A replaced by T.
Protein change: p.Lys502Ter; replaces lysine 502 with a stop codon.
Molecular consequence: nonsense.
Genome position (GRCh38, 1-based): chr1:241,497,857, T>A on the plus strand (A>T on the coding strand, the complement: FH is on the minus strand). VCF-style: chr1-241497857-T-A. GRCh37 (hg19) VCF-style: chr1-241661157-T-A.
Other names: short protein forms K502*.
Identifiers: ClinVar variation 4688002 (VCV004688002.1).

ClinVar aggregate classification (germline): Likely pathogenic (1 of 4 stars; one submission).

Conditions:
Hereditary leiomyomatosis and renal cell cancer. Also called: MULTIPLE CUTANEOUS AND UTERINE LEIOMYOMATA 1, WITH OR WITHOUT RENAL CELL CARCINOMA; LEIOMYOMA, MULTIPLE CUTANEOUS; Reed syndrome; Multiple cutaneous and uterine leiomyomatosis; Cutaneous leiomyomata with uterine leiomyomata; Leiomyoma, hereditary multiple, of skin. Identifiers: Orphanet 523, MedGen C1708350, MONDO:0007888, OMIM 150800, HP:0007437. Disease mechanism: loss of function.

Submission:

Human Genetics Bochum, Ruhr University Bochum
Classification: Likely pathogenic for Hereditary leiomyomatosis and renal cell cancer. Last evaluated: 2024-07-22. Review status: criteria provided, single submitter. Criteria: ACMG Guidelines, 2015. Collection method: clinical testing. Allele origin: germline. Affected: yes.
Comment: ACMG criteria used to clasify this variant: PVS1_STR, PM2_SUP